The following is an entry in ClinVar:

NM_001348716.2(KDM6B):c.3380G>C (p.Arg1127Pro)

Gene: KDM6B (lysine demethylase 6B; plus strand). Cytogenetic location: 17p13.1.
Variant type: single nucleotide variant.
Coding change: c.3380G>C on transcript NM_001348716.2 (MANE Select); coding-DNA position 3380, G replaced by C.
Protein change: p.Arg1127Pro; replaces arginine 1127 with proline.
Molecular consequence: missense variant.
Genome position (GRCh38, 1-based): chr17:7,849,668, G>C. VCF-style: chr17-7849668-G-C. GRCh37 (hg19) VCF-style: chr17-7752986-G-C.
Other names: c.3380G>C, p.Arg1127Pro (NM_001080424.2); short protein forms R1127P.
Identifiers: ClinVar variation 1801112 (VCV001801112.1), dbSNP rs751637686, ClinGen allele CA397923751.

ClinVar aggregate classification (germline): Uncertain significance (1 of 4 stars; one submission).

Submission:

GeneDx
Classification: Uncertain significance. Last evaluated: 2022-05-23. Review status: criteria provided, single submitter. Criteria: GeneDx Variant Classification Process June 2021. Collection method: clinical testing. Allele origin: germline. Affected: yes.
Comment: Not observed at significant frequency in large population cohorts (gnomAD); In silico analysis supports that this missense variant does not alter protein structure/function; Has not been previously published as pathogenic or benign to our knowledge